The following is an entry in ClinVar:

NM_033026.6(PCLO):c.1708C>A (p.Pro570Thr)

Gene: PCLO (piccolo presynaptic cytomatrix protein; minus strand). Cytogenetic location: 7q21.11.
Variant type: single nucleotide variant.
Coding change: c.1708C>A on transcript NM_033026.6 (MANE Select); coding-DNA position 1708, C replaced by A.
Protein change: p.Pro570Thr; replaces proline 570 with threonine.
Molecular consequence: missense variant.
Genome position (GRCh38, 1-based): chr7:83,154,933, G>T on the plus strand (C>A on the coding strand, the complement: PCLO is on the minus strand). VCF-style: chr7-83154933-G-T. GRCh37 (hg19) VCF-style: chr7-82784249-G-T.
Other names: c.1708C>A, p.Pro570Thr (NM_014510.3); short protein forms P570T.
Identifiers: ClinVar variation 2611236 (VCV002611236.3), dbSNP rs752953905, ClinGen allele CA4321392.

ClinVar aggregate classification (germline): Uncertain significance. Review status: criteria provided, multiple submitters, no conflicts (2 of 4 stars). 2 submissions from 2 submitters: Uncertain significance (2). Last evaluated 2026-04-20.

Conditions:
Inborn genetic diseases. Identifiers: MedGen C0950123, MeSH D030342.

Allele frequency attached by ClinVar (database versions not stated): ExAC 0.00002; gnomAD exomes 0.00001; gnomAD 0.00001.
gnomAD v4.1: 15 of 1,613,892 alleles (0.00093%); highest among the groups gnomAD compares: South Asian, 0.016%; no homozygotes.

Submissions (2):

GeneDx
Classification: Uncertain significance. Last evaluated: 2026-04-20. Review status: criteria provided, single submitter. Criteria: GeneDx Variant Classification Process June 2021. Collection method: clinical testing. Allele origin: germline.
Comment: In silico analysis suggests that this missense variant does not alter protein structure/function; Has not been previously published as pathogenic or benign to our knowledge

Ambry Genetics
Classification: Uncertain significance for Inborn genetic diseases. Last evaluated: 2023-07-12. Review status: criteria provided, single submitter. Criteria: Ambry Variant Classification Scheme 2023. Collection method: clinical testing. Allele origin: germline.